The following is an entry in ClinVar:

ClinVar aggregate classification (germline): Uncertain significance (1 of 4 stars; one submission).

Submission:

CeGaT Center for Human Genetics Tuebingen
Classification: Uncertain significance. Last evaluated: 2026-09-01. Review status: criteria provided, single submitter. Criteria: CeGaT Center For Human Genetics Tuebingen Variant Classification Criteria Version 2. Collection method: clinical testing. Allele origin: germline. Affected: yes. Observed: 1 variant allele.
Comment: ETV6: PM1, PM2, PP4

NM_001987.5(ETV6):c.1079G>T (p.Trp360Leu)

Genes: ETV6 (ETS variant transcription factor 6; plus strand), LOC126861452 (CDK7 strongly-dependent group 2 enhancer GRCh37_chr12:12037195-12038394; plus strand). Cytogenetic location: 12p13.2.
Variant type: single nucleotide variant.
Coding change: c.1079G>T on transcript NM_001987.5 (MANE Select); coding-DNA position 1079, G replaced by T.
Protein change: p.Trp360Leu; replaces tryptophan 360 with leucine.
Molecular consequence: missense variant. On other transcripts: intron variant (1).
Genome position (GRCh38, 1-based): chr12:11,884,514, G>T. VCF-style: chr12-11884514-G-T. GRCh37 (hg19) VCF-style: chr12-12037448-G-T.
Other names: c.1076G>T, p.Trp359Leu (NM_001413913.1); c.1052G>T, p.Trp351Leu (NM_001413914.1); c.815G>T, p.Trp272Leu (NM_001413915.1); c.1010-6427G>T (NM_001413917.1); short protein forms W272L, W351L, W359L, W360L.
Identifiers: ClinVar variation 5041865 (VCV005041865.1).
Genomic context (GRCh38, chr12:11,884,514, plus strand): 5'-TGCTTTGGGATTACGTCTATCAGTTGCTTTCTGACAGCCGGTACGAAAACTTCATCCGAT[G>T]GGAGGACAAAGAATCCAAAATATTCCGGATAGTGGATCCCAACGGACTGGCTCGACTGTG-3'
Protein context (NP_001978.1, residues 350-370): SDSRYENFIR[Trp360Leu]EDKESKIFRI